The following is an entry in ClinVar:

NM_170784.3(MKKS):c.26C>T (p.Pro9Leu)

Gene: MKKS (MKKS centrosomal shuttling protein; minus strand). Cytogenetic location: 20p12.2.
Variant type: single nucleotide variant.
Coding change: c.26C>T on transcript NM_170784.3 (MANE Select); coding-DNA position 26, C replaced by T.
Protein change: p.Pro9Leu; replaces proline 9 with leucine.
Molecular consequence: missense variant.
Genome position (GRCh38, 1-based): chr20:10,413,489, G>A on the plus strand (C>T on the coding strand, the complement: MKKS is on the minus strand). VCF-style: chr20-10413489-G-A. GRCh37 (hg19) VCF-style: chr20-10394137-G-A.
Other names: c.26C>T, p.Pro9Leu (NM_018848.3); short protein forms P9L.
Identifiers: ClinVar variation 2575649 (VCV002575649.1), dbSNP rs751314471, ClinGen allele CA9763760.

ClinVar aggregate classification (germline): Uncertain significance (1 of 4 stars; one submission).

Allele frequency attached by ClinVar (database versions not stated): gnomAD exomes below 0.00001; TOPMed below 0.00001; ExAC 0.00001.
gnomAD v4.1: 2 of 1,614,158 alleles (0.00012%); no homozygotes.

Submission:

GeneDx
Classification: Uncertain significance. Last evaluated: 2023-02-10. Review status: criteria provided, single submitter. Criteria: GeneDx Variant Classification Process June 2021. Collection method: clinical testing. Allele origin: germline. Affected: yes.
Comment: Not observed at significant frequency in large population cohorts (gnomAD); In silico analysis supports that this missense variant has a deleterious effect on protein structure/function; Has not been previously published as pathogenic or benign to our knowledge